The following is an entry in ClinVar:

NM_001278293.3(ARL6):c.233A>G (p.Asn78Ser)

Gene: ARL6 (ARF like GTPase 6; plus strand). Cytogenetic location: 3q11.2.
Variant type: single nucleotide variant.
Coding change: c.233A>G on transcript NM_001278293.3 (MANE Select); coding-DNA position 233, A replaced by G.
Protein change: p.Asn78Ser; replaces asparagine 78 with serine.
Molecular consequence: missense variant. On other transcripts: non-coding transcript variant (7).
Genome position (GRCh38, 1-based): chr3:97,780,662, A>G. VCF-style: chr3-97780662-A-G. GRCh37 (hg19) VCF-style: chr3-97499506-A-G.
Other names: c.233A>G, p.Asn78Ser (NM_001323513.2, NM_001323514.2, NM_032146.5 and 1 more transcripts); short protein forms N78S.
Identifiers: ClinVar variation 3348070 (VCV003348070.1).
Genomic context (GRCh38, chr3:97,780,662, plus strand): 5'-CTTCTTTTTGTAGTTTGTCATTTACAGTGTTTGACATGTCAGGTCAAGGAAGATACAGAA[A>G]TCTCTGGGAACACTATTATAAGTAAGTACATCTGTGAATGTTGCTTAACTAGATGGTTTT-3'
Protein context (NP_001265222.1, residues 68-88): FDMSGQGRYR[Asn78Ser]LWEHYYKEGQ

ClinVar aggregate classification (germline): Uncertain significance (0 of 4 stars; one submission).

Conditions:
ARL6-related disorder. Also called: ARL6-related condition.

gnomAD v4.1: 9 of 1,612,876 alleles (0.00056%); highest among the groups gnomAD compares: South Asian, 0.0077%; no homozygotes.

Submission:

PreventionGenetics, part of Exact Sciences
Classification: Uncertain significance for ARL6-related condition. Last evaluated: 2023-11-22. Review status: no assertion criteria provided. Collection method: clinical testing. Allele origin: germline.
Comment: The ARL6 c.233A>G variant is predicted to result in the amino acid substitution p.Asn78Ser. To our knowledge, this variant has not been reported in the literature. This variant is reported in 0.0065% of alleles in individuals of South Asian descent in gnomAD. At this time, the clinical significance of this variant is uncertain due to the absence of conclusive functional and genetic evidence.